The following is an entry in ClinVar:

ClinVar aggregate classification (germline): Likely pathogenic. Review status: reviewed by expert panel (3 of 4 stars). 9 submissions from 9 submitters: Likely pathogenic (1). 8 of the submissions do not count toward it. Last evaluated 2026-07-15.

Conditions:
BRCA2-related cancer predisposition. Identifiers: MedGen CN377758, MONDO:0700269.
Hereditary cancer-predisposing syndrome. Also called: Hereditary Cancer Syndrome; Tumor predisposition; Neoplastic Syndromes, Hereditary; Hereditary neoplastic syndrome. Identifiers: Orphanet 140162, MedGen C0027672, MeSH D009386, MONDO:0015356.
Hereditary breast ovarian cancer syndrome. Also called: Breast and ovarian cancer; Hereditary breast and ovarian cancer syndrome; Hereditary breast and ovarian cancer; Hereditary breast and/or ovarian cancer syndrome; BRCA1- and BRCA2-Associated Hereditary Breast and Ovarian Cancer; Hereditary breast and ovarian cancer syndrome (HBOC). Identifiers: Orphanet 145, MedGen C0677776, MeSH D061325, MONDO:0003582. Disease mechanism: loss of function.
Breast-ovarian cancer, familial, susceptibility to, 2 (BROVCA2). Also called: BRCA2 Hereditary Breast and Ovarian Cancer. Identifiers: Orphanet 145, MedGen C2675520, MONDO:0012933, OMIM 612555. Disease mechanism: loss of function.

Submissions (9):

ClinGen ENIGMA BRCA1 and BRCA2 Variant Curation Expert Panel, ClinGen
Classification: Likely pathogenic for BRCA2-related cancer predisposition. Last evaluated: 2026-07-15. Review status: reviewed by expert panel. Criteria: CSpec BRCA1/2ACMG Rules Specifications V1.2. Collection method: curation. Allele origin: germline. Inheritance: Autosomal dominant inheritance.
Comment: The c.8378G>T variant in BRCA2 is a missense variant predicted to cause substitution of Glycine by Valine at amino acid 2793 (p.(Gly2793Val)). This variant is absent from gnomAD v4.1 (read depth ≥25x in >90% samples, PM2_Supporting met). This BRCA2 missense variant is within a key functional domain and a SpliceAI score of 0.36 predicts an impact on splicing (score threshold >0.20). The computational predictor BayesDel (noAF) gives a score of 0.59, above the recommended threshold of 0.3 for prediction of impact on BRCA2 function via protein change (PP3 met). Missense variant predicted to alter splicing, functional data considered only from assays that measure effect via mRNA and protein. Reported by two calibrated studies incorporating mRNA splicing effect to exhibit function similar to pathogenic control variants (PMIDs: 39779857, 39779848). Additionally, this variant is reported to exhibit function similar to pathogenic control variants in two assays with cDNA based design (PMIDs: 38417439, 32444794) (PS3 met). This variant is reported to result in aberrant mRNA splicing. RT-PCR and agarose gel electrophoresis demonstrated that the variant impacts splicing by exon 19 skipping (PMID: 32123317). The percent full-length and aberrant transcripts produced from the variant allele was not stated (PVS1 (RNA) and BP7_Strong (RNA) not met). Multifactorial likelihood ratio analysis using clinically calibrated data produced a combined LR for this variant of 0.87 (based on Family History LR=0.87), which is above the ENIGMA BRCA1/2 VCEP threshold for BP5 (>0.48) and below PP4 (<2.08) (BP5 and PP4 not met; PMID: 31853058). In summary, this variant meets the criteria to be classified as a Likely pathogenic variant for BRCA2-related cancer predisposition based on the ACMG/AMP criteria applied as specified by the ENIGMA BRCA1/2 VCEP (PM2_Supporting, PP3, PS3).

German Consortium for Hereditary Breast and Ovarian Cancer, University Hospital Cologne
Classification: Likely pathogenic for Hereditary breast ovarian cancer syndrome. Last evaluated: 2025-04-02. Review status: criteria provided, single submitter. Criteria: ClinGen BRCA2 V1.1.0. Collection method: curation. Allele origin: germline. Not counted in ClinVar's aggregate classification.
Comment: Sahu (2025, PMID: 39779848): Function Score: -2,012945185 (Classified as Likely Pathogenic with PS3, PM2_SUP, PP3_STR); According to the ClinGen ENIGMA BRCA2 v1.1.0 criteria we chose these criteria: PS3 (strong pathogenic): Sahu et al. PMID: 39779848, Richardson et al. PMID:33609447, PM2 (supporting pathogenic): absent from gnomAD v4/3/2, PP3 (supporting pathogenic): BayesDel no-AF score = 0.589365 SpliceAI Acceptor Gain = 0.36

Labcorp Genetics (formerly Invitae), Labcorp
Classification: Pathogenic for Hereditary breast ovarian cancer syndrome. Last evaluated: 2024-07-01. Review status: criteria provided, single submitter. Criteria: Invitae Variant Classification Sherloc (09022015). Collection method: clinical testing. Allele origin: germline. Not counted in ClinVar's aggregate classification.
Comment: This sequence change replaces glycine, which is neutral and non-polar, with valine, which is neutral and non-polar, at codon 2793 of the BRCA2 protein (p.Gly2793Val). RNA analysis indicates that this missense change induces altered splicing and likely results in a shortened protein product. This variant is not present in population databases (gnomAD no frequency). This variant has not been reported in the literature in individuals affected with BRCA2-related conditions. ClinVar contains an entry for this variant (Variation ID: 38158). Advanced modeling performed at Invitae incorporating data from internal and/or published experimental studies (PMID: 33609447) indicates that this missense variant is expected to disrupt BRCA2 function with a positive predictive value of 95%. Studies have shown that this missense change results in skipping of exon 19, but is expected to preserve the integrity of the reading-frame (Invitae). This variant disrupts a region of the BRCA2 protein in which other variant(s) (p.Arg2784Trp and Gly2793Arg) have been determined to be pathogenic (PMID: 12442275, 15889636, 16030099, 23233716, 25777348). This suggests that this is a clinically significant region of the protein, and that variants that disrupt it are likely to be disease-causing. For these reasons, this variant has been classified as Pathogenic.

Women's Health and Genetics/Laboratory Corporation of America, LabCorp
Classification: Pathogenic for Hereditary breast ovarian cancer syndrome. Last evaluated: 2024-02-09. Review status: criteria provided, single submitter. Criteria: LabCorp Variant Classification Summary - May 2015. Collection method: clinical testing. Allele origin: germline. Not counted in ClinVar's aggregate classification.
Comment: Variant summary: BRCA2 c.8378G>T (p.Gly2793Val) results in a non-conservative amino acid change located in the BRCA2, OB1 domain (IPR015187) of the encoded protein sequence. Five of five in-silico tools predict a damaging effect of the variant on protein function. Consensus agreement among computational tools predict no significant impact on normal splicing. However, at least one publication reports experimental evidence that this variant affects mRNA splicing, resulting in skipping of exon 19, which is expected to cause an in-frame deletion (Wai_2020). The variant was absent in 251422 control chromosomes (gnomAD). c.8378G>T has been reported in the literature in at least one individual affected with Hereditary Breast And Ovarian Cancer Syndrome (Innella_2023). At least one publication reports experimental evidence evaluating an impact on protein function, finding that the variant is non-functional in an HDR assay (Richardson_2021). HDR assays qualify as a recognized gold standard on the basis of updated guidance provided by the ClinGen Sequence Variant Interpretation (SVI) working group. This working group has recommended strong functional evidence (ACMG PS3) as sufficient weightage for categorization as likely pathogenic (Tavtigian_2018). In addition, this variant alters a highly conserved amino acid (HGMD) in which another missense variant (p.Gly2793Arg) has been classified as pathogenic, suggesting this is a functionally important residue. The following publications have been ascertained in the context of this evaluation (PMID: 32123317, 33609447, 36561320, 38160042). ClinVar contains an entry for this variant (Variation ID: 38158). Based on the evidence outlined above, the variant was classified as pathogenic.

All of Us Research Program, National Institutes of Health
Classification: Uncertain significance for Breast-ovarian cancer, familial, susceptibility to, 2. Last evaluated: 2024-02-05. Review status: criteria provided, single submitter. Criteria: ACMG Guidelines, 2015. Collection method: clinical testing. Allele origin: germline. Inheritance: Autosomal dominant inheritance. Observed: 1 variant allele, 1 heterozygote. Not counted in ClinVar's aggregate classification.
Comment: This missense variant replaces glycine with valine at codon 2793 of the BRCA2 protein. Computational prediction suggests that this variant may have deleterious impact on protein structure and function. Functional studies have shown that this variant impacts homology-directed DNA repair activity and increases sensitivity to PARP inhibitors (PMID: 32444794, 33609447). A multifactorial analysis has reported an inconclusive likelihood ratio for pathogenicity based on personal and family history for this variant (PMID: 31853058). This variant has not been identified in the general population by the Genome Aggregation Database (gnomAD). Different variants affecting the same codon, c.8377G>A (p.Gly2793Arg) and c.8378G>A (p.Gly2793Glu), are considered pathogenic (ClinVar Variation ID: 52569, 38157), suggesting that Gly at this position is important for BRCA2 protein function. Although there is a suspicion that this variant may be associated with disease, additional clinical studies are necessary to determine the role of this variant in disease conclusively. Therefore, this variant is classified as a Variant of Uncertain Significance.

This study involves interpretation of variants in research participants for the purpose of population health screening. Participant phenotype was not available at the time of variant classification. Additional details can be found in publication PMID: 35346344, PMCID: PMC8962531

Ambry Genetics
Classification: Pathogenic for Hereditary cancer-predisposing syndrome. Last evaluated: 2020-01-24. Review status: criteria provided, single submitter. Criteria: Ambry Variant Classification Scheme 2023. Collection method: clinical testing. Allele origin: germline. Not counted in ClinVar's aggregate classification.
Comment: The p.G2793V pathogenic mutation (also known as c.8378G>T), located in coding exon 18 of the BRCA2 gene, results from a G to T substitution at nucleotide position 8378. The glycine at codon 2793 is replaced by valine, an amino acid with dissimilar properties. Several other alterations at this same codon are considered pathogenic including p.G2793E and p.G2793R (Ambry internal data). This alteration was non-functional in a homology-directed DNA repair (HDR) assay (Ambry internal data). This variant was not reported in population-based cohorts in the Genome Aggregation Database (gnomAD) (Lek M et al. Nature, 2016 08;536:285-91). This amino acid position is highly conserved in available vertebrate species. In addition, this alteration is predicted to be deleterious by in silico analysis. Based on the majority of available evidence to date, this variant is considered a disease-causing mutation.

Department of Medical and Surgical Sciences, University of Bologna
Classification: Uncertain significance for Breast-ovarian cancer, familial, susceptibility to, 2. Last evaluated: 2023-09-01. Review status: no assertion criteria provided. Collection method: clinical testing. Allele origin: germline. Affected: yes. Not counted in ClinVar's aggregate classification.
Comment: PM2(Supporting)+PP3(Supporting) according to ACMG/AMP classification guidelines specified for BRCA1 & BRCA2 (Classification Criteria V1.0.0 2023-09-08) (PMID: 38160042)

Counsyl
Classification: Uncertain significance for Breast-ovarian cancer, familial, susceptibility to, 2. Last evaluated: 2018-03-23. Review status: no assertion criteria provided. Collection method: clinical testing. Allele origin: unknown. Not counted in ClinVar's aggregate classification.

Sharing Clinical Reports Project (SCRP)
Classification: Uncertain significance for Breast-ovarian cancer, familial 2. Last evaluated: 2013-01-04. Review status: no assertion criteria provided. Collection method: clinical testing. Allele origin: germline. Not counted in ClinVar's aggregate classification.

Literature cited by the submitters: PubMed 33609447 (cited by 3 submitters); PubMed 12442275 (cited by Labcorp Genetics (formerly Invitae), Labcorp); PubMed 15889636 (cited by Labcorp Genetics (formerly Invitae), Labcorp); PubMed 16030099 (cited by Labcorp Genetics (formerly Invitae), Labcorp); PubMed 23233716 (cited by Labcorp Genetics (formerly Invitae), Labcorp); PubMed 25777348 (cited by Labcorp Genetics (formerly Invitae), Labcorp); PubMed 32123317 (cited by Women's Health and Genetics/Laboratory Corporation of America, LabCorp); PubMed 38160042 (cited by Women's Health and Genetics/Laboratory Corporation of America, LabCorp); PubMed 36561320 (cited by Women's Health and Genetics/Laboratory Corporation of America, LabCorp); PubMed 31853058 (cited by All of Us Research Program, National Institutes of Health); PubMed 32444794 (cited by All of Us Research Program, National Institutes of Health).

NM_000059.4(BRCA2):c.8378G>T (p.Gly2793Val)

Gene: BRCA2 (BRCA2 DNA repair associated; plus strand). Cytogenetic location: 13q13.1.
Variant type: single nucleotide variant.
Coding change: c.8378G>T on transcript NM_000059.4 (MANE Select); coding-DNA position 8378, G replaced by T.
Protein change: p.Gly2793Val; replaces glycine 2793 with valine.
Molecular consequence: missense variant.
Genome position (GRCh38, 1-based): chr13:32,370,448, G>T. VCF-style: chr13-32370448-G-T. GRCh37 (hg19) VCF-style: chr13-32944585-G-T.
Other names: NM_000059.4(BRCA2):c.8378G>T; p.Gly2793Val; 8606G>T; short protein forms G2793V.
Identifiers: ClinVar variation 38158 (VCV000038158.15), dbSNP rs80359083, ClinGen allele CA025615.